The following is an entry in ClinVar:

NM_017777.4(MKS1):c.873C>G (p.His291Gln)

Gene: MKS1 (MKS transition zone complex subunit 1; minus strand). Cytogenetic location: 17q22.
Variant type: single nucleotide variant.
Coding change: c.873C>G on transcript NM_017777.4 (MANE Select); coding-DNA position 873, C replaced by G.
Protein change: p.His291Gln; replaces histidine 291 with glutamine.
Molecular consequence: missense variant.
Genome position (GRCh38, 1-based): chr17:58,212,420, G>C on the plus strand (C>G on the coding strand, the complement: MKS1 is on the minus strand). VCF-style: chr17-58212420-G-C. GRCh37 (hg19) VCF-style: chr17-56289781-G-C.
Other names: c.873C>G (NM_017777.3); c.264C>G, p.His88Gln (NM_001321268.2); c.873C>G, p.His291Gln (NM_001321269.2, NM_001330397.2); short protein forms H291Q, H88Q.
Identifiers: ClinVar variation 1000924 (VCV001000924.9), dbSNP rs1968929550, ClinGen allele CA400326288.
Genomic context (GRCh38, chr17:58,212,420, plus strand): 5'-GGAAGCCAAGCTACTCACCATCTCAAAGTCGGTGCCTACGAGGCTGCTGAGATACTCCTT[G>C]TGCCGGCCATAAAGCTGAGGAAACAAACCAAACCAAAACTCAAGATGCAACCCAAGCTAG-3'
Protein context (NP_060247.2, residues 281-301): RRVFKDLYGR[His291Gln]KEYLSSLVGT

ClinVar aggregate classification (germline): Uncertain significance. Review status: criteria provided, multiple submitters, no conflicts (2 of 4 stars). 2 submissions from 2 submitters: Uncertain significance (2). Last evaluated 2022-06-03.

Conditions:
Joubert syndrome. Also called: Familial aplasia of the vermis; CEREBELLOPARENCHYMAL DISORDER IV; JOUBERT-BOLTSHAUSER SYNDROME. Identifiers: Orphanet 475, MedGen C5979921, MONDO:0018772.
Meckel-Gruber syndrome. Also called: Dysencephalia splachnocystica; DYSENCEPHALIA SPLANCHNOCYSTICA; GRUBER SYNDROME. Identifiers: Orphanet 564, MedGen C0265215, MONDO:0018921.

Allele frequency attached by ClinVar (database versions not stated): gnomAD 0.00001.
gnomAD v4.1: 1 of 1,614,034 alleles (0.000062%); highest among the groups gnomAD compares: African/African-American, 0.0013%; no homozygotes.

Submissions (2):

Labcorp Genetics (formerly Invitae), Labcorp
Classification: Uncertain significance for Joubert syndrome; Meckel-Gruber syndrome. Last evaluated: 2022-06-03. Review status: criteria provided, single submitter. Criteria: Invitae Variant Classification Sherloc (09022015). Collection method: clinical testing. Allele origin: germline.
Comment: This sequence change replaces histidine, which is basic and polar, with glutamine, which is neutral and polar, at codon 291 of the MKS1 protein (p.His291Gln). This variant is not present in population databases (gnomAD no frequency). This variant has not been reported in the literature in individuals affected with MKS1-related conditions. ClinVar contains an entry for this variant (Variation ID: 1000924). Algorithms developed to predict the effect of missense changes on protein structure and function (SIFT, PolyPhen-2, Align-GVGD) all suggest that this variant is likely to be tolerated. Algorithms developed to predict the effect of sequence changes on RNA splicing suggest that this variant may create or strengthen a splice site. In summary, the available evidence is currently insufficient to determine the role of this variant in disease. Therefore, it has been classified as a Variant of Uncertain Significance.

Revvity Omics, Revvity
Classification: Uncertain significance. Last evaluated: 2019-04-10. Review status: criteria provided, single submitter. Criteria: ACMG Guidelines, 2015. Collection method: clinical testing. Allele origin: germline.